The following is an entry in ClinVar:

NM_138370.3(PKDCC):c.845G>A (p.Arg282Gln)

Gene: PKDCC (protein kinase domain containing, cytoplasmic; plus strand). Cytogenetic location: 2p21.
Variant type: single nucleotide variant.
Coding change: c.845G>A on transcript NM_138370.3 (MANE Select); coding-DNA position 845, G replaced by A.
Protein change: p.Arg282Gln; replaces arginine 282 with glutamine.
Molecular consequence: missense variant.
Genome position (GRCh38, 1-based): chr2:42,054,118, G>A. VCF-style: chr2-42054118-G-A. GRCh37 (hg19) VCF-style: chr2-42281258-G-A.
Other names: short protein forms R282Q.
Identifiers: ClinVar variation 1949642 (VCV001949642.5), dbSNP rs755188085, ClinGen allele CA1628040.

ClinVar aggregate classification (germline): Uncertain significance (1 of 4 stars; one submission).

gnomAD v4.1: 16 of 1,613,142 alleles (0.00099%); highest among the groups gnomAD compares: Admixed American, 0.0033%; no homozygotes.

Submission:

Labcorp Genetics (formerly Invitae), Labcorp
Classification: Uncertain significance. Last evaluated: 2022-01-21. Review status: criteria provided, single submitter. Criteria: Invitae Variant Classification Sherloc (09022015). Collection method: clinical testing. Allele origin: germline.
Comment: This sequence change replaces arginine, which is basic and polar, with glutamine, which is neutral and polar, at codon 282 of the PKDCC protein (p.Arg282Gln). This variant is present in population databases (rs755188085, gnomAD 0.006%). This variant has not been reported in the literature in individuals affected with PKDCC-related conditions. Algorithms developed to predict the effect of missense changes on protein structure and function are either unavailable or do not agree on the potential impact of this missense change (SIFT: "Deleterious"; PolyPhen-2: "Benign"; Align-GVGD: "Class C35"). Algorithms developed to predict the effect of sequence changes on RNA splicing suggest that this variant may create or strengthen a splice site. In summary, the available evidence is currently insufficient to determine the role of this variant in disease. Therefore, it has been classified as a Variant of Uncertain Significance.